The following is an entry in ClinVar:

NM_004336.5(BUB1):c.2476G>C (p.Ala826Pro)

Gene: BUB1 (BUB1 mitotic checkpoint serine/threonine kinase; minus strand). Cytogenetic location: 2q13.
Variant type: single nucleotide variant.
Coding change: c.2476G>C on transcript NM_004336.5 (MANE Select); coding-DNA position 2476, G replaced by C.
Protein change: p.Ala826Pro; replaces alanine 826 with proline.
Molecular consequence: missense variant.
Genome position (GRCh38, 1-based): chr2:110,641,791, C>G on the plus strand (G>C on the coding strand, the complement: BUB1 is on the minus strand). VCF-style: chr2-110641791-C-G. GRCh37 (hg19) VCF-style: chr2-111399368-C-G.
Other names: c.2416G>C, p.Ala806Pro (NM_001278616.2); c.2476G>C, p.Ala826Pro (NM_001278617.2); short protein forms A806P, A826P.
Identifiers: ClinVar variation 3482999 (VCV003482999.1).
Genomic context (GRCh38, chr2:110,641,791, plus strand): 5'-GCATAGATGGCTTTAGTCTTTCCATCAACTGGGTCCCAATGTAGAATTCCCAGGGGTTGG[C>G]AGGCTTTTGGACCTGCAAATCAGGTATGTGAAATTCATATCCAATCTCGTATTCTGAAAA-3'
Protein context (NP_004327.1, residues 816-836): QKFVLKVQKP[Ala826Pro]NPWEFYIGTQ

ClinVar aggregate classification (germline): Uncertain significance (1 of 4 stars; one submission).

gnomAD v4.1: 1 of 1,604,948 alleles (0.000062%); highest among the groups gnomAD compares: South Asian, 0.0011%; no homozygotes.

Submission:

Ambry Genetics
Classification: Uncertain significance. Last evaluated: 2024-11-17. Review status: criteria provided, single submitter. Criteria: Ambry Variant Classification Scheme 2023. Collection method: clinical testing. Allele origin: germline.
Comment: The p.A826P variant (also known as c.2476G>C), located in coding exon 21 of the BUB1 gene, results from a G to C substitution at nucleotide position 2476. The alanine at codon 826 is replaced by proline, an amino acid with highly similar properties. This amino acid position is conserved. In addition, this alteration is predicted to be tolerated by in silico analysis. Based on the available evidence, the clinical significance of this variant remains unclear.